The following is an entry in ClinVar:

NM_032383.5(HPS3):c.305C>A (p.Ser102Tyr)

Gene: HPS3 (HPS3 biogenesis of lysosomal organelles complex 2 subunit 1; plus strand). Cytogenetic location: 3q24.
Variant type: single nucleotide variant.
Coding change: c.305C>A on transcript NM_032383.5 (MANE Select); coding-DNA position 305, C replaced by A.
Protein change: p.Ser102Tyr; replaces serine 102 with tyrosine.
Molecular consequence: missense variant. On other transcripts: intron variant (1).
Genome position (GRCh38, 1-based): chr3:149,140,091, C>A. VCF-style: chr3-149140091-C-A. GRCh37 (hg19) VCF-style: chr3-148857878-C-A.
Other names: c.218-926C>A (NM_001308258.2); short protein forms S102Y.
Identifiers: ClinVar variation 999197 (VCV000999197.7), dbSNP rs1189649144, ClinGen allele CA354910657.

ClinVar aggregate classification (germline): Uncertain significance. Review status: criteria provided, single submitter (1 of 4 stars). 2 submissions from 2 submitters: Uncertain significance (1). 1 of the submissions does not count toward it. Last evaluated 2021-08-27.

Conditions:
Hermansky-Pudlak syndrome (HPS). Also called: ALBINISM WITH HEMORRHAGIC DIATHESIS AND PIGMENTED RETICULOENDOTHELIAL CELLS. Identifiers: Orphanet 79430, MedGen C0079504, MONDO:0019312.

Allele frequency attached by ClinVar (database versions not stated): TOPMed 0.00001; gnomAD exomes 0.00001.
gnomAD v4.1: 3 of 1,613,150 alleles (0.00019%); highest among the groups gnomAD compares: Admixed American, 0.0017%; no homozygotes.

Submissions (2):

Labcorp Genetics (formerly Invitae), Labcorp
Classification: Uncertain significance. Last evaluated: 2021-08-27. Review status: criteria provided, single submitter. Criteria: Invitae Variant Classification Sherloc (09022015). Collection method: clinical testing. Allele origin: germline.
Comment: This sequence change replaces serine with tyrosine at codon 102 of the HPS3 protein (p.Ser102Tyr). The serine residue is weakly conserved and there is a large physicochemical difference between serine and tyrosine. This variant is not present in population databases (ExAC no frequency). This variant has not been reported in the literature in individuals affected with HPS3-related conditions. Algorithms developed to predict the effect of missense changes on protein structure and function are either unavailable or do not agree on the potential impact of this missense change (SIFT: "Tolerated"; PolyPhen-2: "Possibly Damaging"; Align-GVGD: "Class C0"). In summary, the available evidence is currently insufficient to determine the role of this variant in disease. Therefore, it has been classified as a Variant of Uncertain Significance.

Natera, Inc.
Classification: Uncertain significance for Hermansky-Pudlak syndrome. Last evaluated: 2019-11-11. Review status: no assertion criteria provided. Collection method: clinical testing. Allele origin: germline. Not counted in ClinVar's aggregate classification.